The following is an entry in ClinVar:

ClinVar aggregate classification (germline): Uncertain significance (1 of 4 stars; one submission).

gnomAD v4.1: 1 of 1,078,060 alleles (0.000093%); highest among the groups gnomAD compares: South Asian, 0.0016%; no homozygotes.

Submission:

GeneDx
Classification: Uncertain significance. Last evaluated: 2021-03-26. Review status: criteria provided, single submitter. Criteria: GeneDx Variant Classification Process June 2021. Collection method: clinical testing. Allele origin: germline. Affected: yes.
Comment: Not observed in large population cohorts (Lek et al., 2016); In silico analysis supports that this missense variant does not alter protein structure/function; Has not been previously published as pathogenic or benign to our knowledge; Variants in candidate genes are classified as variants of uncertain significance in accordance with ACMG guidelines (Richards et al., 2015)

NM_016148.5(SHANK1):c.2899C>G (p.Pro967Ala)

Gene: SHANK1 (SH3 and multiple ankyrin repeat domains 1; minus strand). Cytogenetic location: 19q13.33.
Variant type: single nucleotide variant.
Coding change: c.2899C>G on transcript NM_016148.5 (MANE Select); coding-DNA position 2899, C replaced by G.
Protein change: p.Pro967Ala; replaces proline 967 with alanine.
Molecular consequence: missense variant.
Genome position (GRCh38, 1-based): chr19:50,669,061, G>C on the plus strand (C>G on the coding strand, the complement: SHANK1 is on the minus strand). VCF-style: chr19-50669061-G-C. GRCh37 (hg19) VCF-style: chr19-51172318-G-C.
Other names: short protein forms P967A.
Identifiers: ClinVar variation 1313332 (VCV001313332.2), dbSNP rs2123086350, ClinGen allele CA407018605.